The following is an entry in ClinVar:

ClinVar aggregate classification (germline): Conflicting classifications of pathogenicity. Review status: criteria provided, conflicting classifications (1 of 4 stars). 3 submissions from 3 submitters: Uncertain significance (2); Likely benign (1). Last evaluated 2023-06-09.

Conditions:
Hereditary cancer-predisposing syndrome. Also called: Hereditary Cancer Syndrome; Hereditary neoplastic syndrome; Neoplastic Syndromes, Hereditary; Tumor predisposition. Identifiers: Orphanet 140162, MedGen C0027672, MeSH D009386, MONDO:0015356.
Hereditary breast ovarian cancer syndrome. Also called: Hereditary breast and ovarian cancer; Breast and ovarian cancer; Hereditary breast and ovarian cancer syndrome; Hereditary breast and/or ovarian cancer syndrome; BRCA1- and BRCA2-Associated Hereditary Breast and Ovarian Cancer; Hereditary breast and ovarian cancer syndrome (HBOC). Identifiers: Orphanet 145, MedGen C0677776, MeSH D061325, MONDO:0003582. Disease mechanism: loss of function.

Submissions (3):

Labcorp Genetics (formerly Invitae), Labcorp
Classification: Uncertain significance for Hereditary breast ovarian cancer syndrome. Last evaluated: 2023-06-09. Review status: criteria provided, single submitter. Criteria: Invitae Variant Classification Sherloc (09022015). Collection method: clinical testing. Allele origin: germline.
Comment: In summary, the available evidence is currently insufficient to determine the role of this variant in disease. Therefore, it has been classified as a Variant of Uncertain Significance. Advanced modeling of protein sequence and biophysical properties (such as structural, functional, and spatial information, amino acid conservation, physicochemical variation, residue mobility, and thermodynamic stability) performed at Invitae indicates that this missense variant is not expected to disrupt BRCA2 protein function. ClinVar contains an entry for this variant (Variation ID: 441408). This variant has not been reported in the literature in individuals affected with BRCA2-related conditions. This variant is not present in population databases (gnomAD no frequency). This sequence change replaces serine, which is neutral and polar, with tyrosine, which is neutral and polar, at codon 1792 of the BRCA2 protein (p.Ser1792Tyr).

University of Washington Department of Laboratory Medicine, University of Washington
Classification: Likely benign for Hereditary cancer-predisposing syndrome. Last evaluated: 2023-03-23. Review status: criteria provided, single submitter. Criteria: Dines et al. (Genet Med. 2020). Collection method: curation. Allele origin: germline.
Comment: Missense variant in a coldspot region where missense variants are very unlikely to be pathogenic (PMID:31911673).

BRCA2 exon 11 coldspot. Reclassification based on statistical prior probability.

Ambry Genetics
Classification: Uncertain significance for Hereditary cancer-predisposing syndrome. Last evaluated: 2016-07-01. Review status: criteria provided, single submitter. Criteria: Ambry Variant Classification Scheme 2023. Collection method: clinical testing. Allele origin: germline.
Comment: The p.S1792Y variant (also known as c.5375C>A), located in coding exon 10 of the BRCA2 gene, results from a C to A substitution at nucleotide position 5375. The serine at codon 1792 is replaced by tyrosine, an amino acid with dissimilar properties. This variant was not reported in population based cohorts in the following databases: Database of Single Nucleotide Polymorphisms (dbSNP), NHLBI Exome Sequencing Project (ESP), and 1000 Genomes Project. In the ESP, this variant was not observed in 6500 samples (13000 alleles) with coverage at this position. To date, this alteration has been detected with an allele frequency of approximately 0.0003% (greater than 300000 alleles tested) in our clinical cohort. This amino acid position is poorly conserved in available vertebrate species. In addition, this alteration is predicted to be tolerated by in silico analysis. Since supporting evidence is limited at this time, the clinical significance of this alteration remains unclear.

NM_000059.4(BRCA2):c.5375C>A (p.Ser1792Tyr)

Gene: BRCA2 (BRCA2 DNA repair associated; plus strand). Cytogenetic location: 13q13.1.
Variant type: single nucleotide variant.
Coding change: c.5375C>A on transcript NM_000059.4 (MANE Select); coding-DNA position 5375, C replaced by A.
Protein change: p.Ser1792Tyr; replaces serine 1792 with tyrosine.
Molecular consequence: missense variant.
Genome position (GRCh38, 1-based): chr13:32,339,730, C>A. VCF-style: chr13-32339730-C-A. GRCh37 (hg19) VCF-style: chr13-32913867-C-A.
Other names: short protein forms S1792Y.
Identifiers: ClinVar variation 441408 (VCV000441408.11), dbSNP rs1555284200, ClinGen allele CA387785166.
Genomic context (GRCh38, chr13:32,339,730, plus strand): 5'-TTGAGCCAGTATTGAAGAATGTTGAAGATCAAAAAAACACTAGTTTTTCCAAAGTAATAT[C>A]CAATGTAAAAGATGCAAATGCATACCCACAAACTGTAAATGAAGATATTTGCGTTGAGGA-3'
Protein context (NP_000050.3, residues 1782-1802): QKNTSFSKVI[Ser1792Tyr]NVKDANAYPQ